The following is an entry in ClinVar:

NM_133259.4(LRPPRC):c.1677+258A>G

Gene: LRPPRC (leucine rich pentatricopeptide repeat containing; minus strand). Cytogenetic location: 2p21.
Variant type: single nucleotide variant.
Coding change: c.1677+258A>G on transcript NM_133259.4 (MANE Select); 258 bases into the intron after coding-DNA position 1677, A replaced by G.
Molecular consequence: intron variant.
Genome position (GRCh38, 1-based): chr2:43,950,315, T>C on the plus strand (A>G on the coding strand, the complement: LRPPRC is on the minus strand). VCF-style: chr2-43950315-T-C. GRCh37 (hg19) VCF-style: chr2-44177454-T-C.
Other names: NC_000002.11:g.44177454T>C.
Identifiers: ClinVar variation 671256 (VCV000671256.2), dbSNP rs4594494, ClinGen allele CA11113883.
Genomic context (GRCh38, chr2:43,950,315, plus strand): 5'-AGGATGTGCAGGTTTGTTACATCGGTAAACGTGTGCCATGGTGGTCGGCTGCACAGATCA[T>C]CCCATCACCCAGGTATTAAGCCCAGCATCCATTAGCTATTCTTCCTGATCCTCTCCCTCC-3'

ClinVar aggregate classification (germline): Benign (1 of 4 stars; one submission).

Allele frequency attached by ClinVar (database versions not stated): TOPMed 0.32435; 1000 Genomes Project 30x 0.46549; 1000 Genomes Project 0.47504; gnomAD 0.29695 and 0.31129.
gnomAD v4.1: 47,368 of 151,830 alleles (31%); highest among the groups gnomAD compares: East Asian, 95%; 8,794 homozygotes.

Submissions (3):

GeneDx
Classification: Benign. Last evaluated: 2018-06-14. Review status: criteria provided, single submitter. Criteria: GeneDx Variant Classification (06012015). Collection method: clinical testing. Allele origin: germline. Affected: yes.
Comment: This variant is considered likely benign or benign based on one or more of the following criteria: it is a conservative change, it occurs at a poorly conserved position in the protein, it is predicted to be benign by multiple in silico algorithms, and/or has population frequency not consistent with disease.

Dr. Peter K. Rogan Lab, Western University
No classification provided (evidence only). Condition: Lung cancer. Review status: no classification provided. Collection method: in vitro. Allele origin: not applicable. Functional consequence: retained intron. Not counted in ClinVar's aggregate classification.

Dr. Peter K. Rogan Lab, Western University
No classification provided (evidence only). Condition: Gastric cancer. Review status: no classification provided. Collection method: in vitro. Allele origin: not applicable. Functional consequence: retained intron. Not counted in ClinVar's aggregate classification.